The following is an entry in ClinVar:

NM_001089.3(ABCA3):c.-561C>A

Genes: ABCA3 (ATP binding cassette subfamily A member 3; minus strand), LOC130058230 (ATAC-STARR-seq lymphoblastoid silent region 7042; plus strand). Cytogenetic location: 16p13.3.
Variant type: single nucleotide variant.
Coding change: c.-561C>A on transcript NM_001089.3 (MANE Select); 561 bases upstream of the start codon, C replaced by A.
Molecular consequence: 5 prime UTR variant.
Genome position (GRCh38, 1-based): chr16:2,340,595, G>T on the plus strand (C>A on the coding strand, the complement: ABCA3 is on the minus strand). VCF-style: chr16-2340595-G-T. GRCh37 (hg19) VCF-style: chr16-2390596-G-T.
Identifiers: ClinVar variation 318598 (VCV000318598.6), dbSNP rs45456893, ClinGen allele CA10637381.
Genomic context (GRCh38, chr16:2,340,595, plus strand): 5'-GAACGAGCGCGCGAGCGGCGGGTCCCGGCGGCACTCACCGAGCCTGGGCGCCGGGGCGGC[G>T]GCGGCCGGCGCGCGGCCCTCTCGCGGGGTCCCCTCCCTCGGCCACCCGGGCTCCGCTCCA-3'

ClinVar aggregate classification (germline): Benign. Review status: criteria provided, multiple submitters, no conflicts (2 of 4 stars). 2 submissions from 2 submitters: Benign (2). Last evaluated 2018-01-12.

Conditions:
Interstitial lung disease due to ABCA3 deficiency. Also called: PULMONARY ALVEOLAR PROTEINOSIS, CONGENITAL, 3. Identifiers: Orphanet 440402, MedGen C1970456, MONDO:0012582, OMIM 610921.

Allele frequency attached by ClinVar (database versions not stated): gnomAD exomes 0.03448; 1000 Genomes Project 0.09345; 1000 Genomes Project 30x 0.09619; TOPMed 0.10031; gnomAD 0.10465 and 0.10513.
gnomAD v4.1: 15,601 of 148,706 alleles (10%); highest among the groups gnomAD compares: Admixed American, 17%; 1,075 homozygotes.

Submissions (2):

Illumina Laboratory Services, Illumina
Classification: Benign for Interstitial lung disease due to ABCA3 deficiency. Last evaluated: 2018-01-12. Review status: criteria provided, single submitter. Criteria: ICSL Variant Classification Criteria 13 December 2019. Collection method: clinical testing. Allele origin: germline.
Comment: This variant was observed in the ICSL laboratory as part of a predisposition screen in an ostensibly healthy population. It had not been previously curated by ICSL or reported in the Human Gene Mutation Database (HGMD: prior to June 1st, 2018), and was therefore a candidate for classification through an automated scoring system. Utilizing variant allele frequency, disease prevalence and penetrance estimates, and inheritance mode, an automated score was calculated to assess if this variant is too frequent to cause the disease. Based on the score and internal cut-off values, a variant classified as benign is not then subjected to further curation. The score for this variant resulted in a classification of benign for this disease.

Breakthrough Genomics
Classification: Benign. Review status: criteria provided, single submitter. Criteria: ACMG Guidelines, 2015. Collection method: not provided. Allele origin: germline. Inheritance: Autosomal recessive inheritance. Affected: yes.